The following is an entry in ClinVar:

ClinVar aggregate classification (germline): Uncertain significance (1 of 4 stars; one submission).

Conditions:
Autosomal recessive ataxia, Beauce type. Also called: SYNE1-Related Autosomal Recessive Cerebellar Ataxia; SYNE1 Deficiency; Spinocerebellar ataxia, autosomal recessive 8; ATAXIA, RECESSIVE, OF BEAUCE. Identifiers: Orphanet 88644, MedGen C1853116, MONDO:0012549, OMIM 610743.
Emery-Dreifuss muscular dystrophy 4, autosomal dominant (EDMD4). Also called: EMERY-DREIFUSS MUSCULAR DYSTROPHY 4 WITH VARIABLE FEATURES. Identifiers: Orphanet 261, MedGen C2751807, MONDO:0013071, OMIM 612998.

Submission:

Labcorp Genetics (formerly Invitae), Labcorp
Classification: Uncertain significance for Emery-Dreifuss muscular dystrophy 4, autosomal dominant; Autosomal recessive ataxia, Beauce type. Last evaluated: 2021-12-02. Review status: criteria provided, single submitter. Criteria: Invitae Variant Classification Sherloc (09022015). Collection method: clinical testing. Allele origin: germline.
Comment: Algorithms developed to predict the effect of missense changes on protein structure and function (SIFT, PolyPhen-2, Align-GVGD) all suggest that this variant is likely to be tolerated. This sequence change replaces valine, which is neutral and non-polar, with isoleucine, which is neutral and non-polar, at codon 1495 of the SYNE1 protein (p.Val1495Ile). This variant is not present in population databases (gnomAD no frequency). This variant has not been reported in the literature in individuals affected with SYNE1-related conditions. In summary, the available evidence is currently insufficient to determine the role of this variant in disease. Therefore, it has been classified as a Variant of Uncertain Significance.

NM_182961.4(SYNE1):c.4462G>A (p.Val1488Ile)

Gene: SYNE1 (spectrin repeat containing nuclear envelope protein 1; minus strand). Cytogenetic location: 6q25.2.
Variant type: single nucleotide variant.
Coding change: c.4462G>A on transcript NM_182961.4 (MANE Select); coding-DNA position 4462, G replaced by A.
Protein change: p.Val1488Ile; replaces valine 1488 with isoleucine.
Molecular consequence: missense variant.
Genome position (GRCh38, 1-based): chr6:152,430,709, C>T on the plus strand (G>A on the coding strand, the complement: SYNE1 is on the minus strand). VCF-style: chr6-152430709-C-T. GRCh37 (hg19) VCF-style: chr6-152751844-C-T.
Other names: c.4483G>A, p.Val1495Ile (NM_033071.5); short protein forms V1488I, V1495I.
Identifiers: ClinVar variation 1346343 (VCV001346343.6), dbSNP rs2154201681, ClinGen allele CA366143215.
Genomic context (GRCh38, chr6:152,430,709, plus strand): 5'-GGGCTTCTTCTTCTAATCCTACAATGCTGCTGAGCTTACTTTCTATTTCCTGAATTGTGA[C>T]CTAATAGTTAAAACAAGAAAAATGACAATGTAGGCTGAGCAAGCTTGCCTTCCTGAAATG-3'
Protein context (NP_892006.3, residues 1478-1498): AMDMQISQIK[Val1488Ile]TIQEIESKLS